The following is an entry in ClinVar:

ClinVar aggregate classification (germline): Pathogenic/Likely pathogenic. Review status: criteria provided, multiple submitters, no conflicts (2 of 4 stars). 2 submissions from 2 submitters: Pathogenic (1); Likely pathogenic (1). Last evaluated 2025-06-08.

Conditions:
PRPH2-related disorder. Also called: PRPH2-related condition; PRPH2-related disorders. Identifiers: MedGen CN239395.

Submissions (2):

Labcorp Genetics (formerly Invitae), Labcorp
Classification: Pathogenic for PRPH2-related disorder. Last evaluated: 2025-06-08. Review status: criteria provided, single submitter. Criteria: Invitae Variant Classification Sherloc (09022015). Collection method: clinical testing. Allele origin: germline.
Comment: This sequence change creates a premature translational stop signal (p.Ser256Leufs*43) in the PRPH2 gene. While this is not anticipated to result in nonsense mediated decay, it is expected to disrupt the last 91 amino acid(s) of the PRPH2 protein. This variant is not present in population databases (gnomAD no frequency). This variant has not been reported in the literature in individuals affected with PRPH2-related conditions. ClinVar contains an entry for this variant (Variation ID: 866667). This variant disrupts a region of the PRPH2 protein in which other variant(s) (p.Gly266Asp) have been determined to be pathogenic (PMID: 9331261, 11139241, 24416769). This suggests that this is a clinically significant region of the protein, and that variants that disrupt it are likely to be disease-causing. For these reasons, this variant has been classified as Pathogenic.

Blueprint Genetics
Classification: Likely pathogenic for PRPH2-related disorders. Last evaluated: 2019-08-07. Review status: criteria provided, single submitter. Criteria: ACMG Guidelines, 2015. Collection method: clinical testing. Allele origin: germline. Affected: yes. Observed: 1 variant allele.

Literature cited by the submitters: PubMed 9331261 (cited by Labcorp Genetics (formerly Invitae), Labcorp); PubMed 11139241 (cited by Labcorp Genetics (formerly Invitae), Labcorp); PubMed 24416769 (cited by Labcorp Genetics (formerly Invitae), Labcorp).

NM_000322.5(PRPH2):c.765_769del (p.Ser256fs)

Gene: PRPH2 (peripherin 2; minus strand). Cytogenetic location: 6p21.1.
Variant type: Deletion.
Coding change: c.765_769del on transcript NM_000322.5 (MANE Select); coding-DNA positions 765 to 769, 5 bases deleted (GAGCT; older notation c.765_769delGAGCT).
Protein change: p.Ser256fs; shifts the reading frame from serine 256.
Molecular consequence: frameshift variant.
Genome position (GRCh38, 1-based): chr6:42,704,424-42,704,428, AGCTC deleted on the plus strand (GAGCT on the coding strand, the reverse complement: PRPH2 is on the minus strand); deleting any 5 consecutive bases within chr6:42,704,424-42,704,431 gives the same sequence; the c. name uses the placement nearest the transcript's 3' end. VCF-style (leftmost placement, unchanged base first): chr6-42704423-TAGCTC-T. GRCh37 (hg19) VCF-style: chr6-42672161-TAGCTC-T.
Other names: short protein forms S256fs.
Identifiers: ClinVar variation 866667 (VCV000866667.4), dbSNP rs1800110798, ClinGen allele CA916082828.
Genomic context (GRCh38, chr6:42,704,423, plus strand): 5'-ACCTCGAAGAGCCAAATGAGGAGCGTGACGACACCCATGGAGTTCATGAGGCTGCTGTAG[TAGCTC>T]AGCAGGGCAGCCCTGCAGCCACGCACCCACAGGTTGAGCTCCTCCGTCTGGTGGTCGTAA-3'